The following is an entry in ClinVar:

ClinVar aggregate classification (germline): Uncertain significance. Review status: criteria provided, multiple submitters, no conflicts (2 of 4 stars). 2 submissions from 2 submitters: Uncertain significance (2). Last evaluated 2023-12-24.

Conditions:
Hereditary cancer-predisposing syndrome. Also called: Tumor predisposition; Neoplastic Syndromes, Hereditary; Hereditary Cancer Syndrome; Hereditary neoplastic syndrome. Identifiers: Orphanet 140162, MedGen C0027672, MeSH D009386, MONDO:0015356.
Ataxia-telangiectasia syndrome (AT). Also called: ATAXIA-TELANGIECTASIA, COMPLEMENTATION GROUP A; ATAXIA-TELANGIECTASIA, FRESNO VARIANT; Ataxia-telangiectasia; Ataxia-telangiectasia, complementation group D; AT, COMPLEMENTATION GROUP C; Ataxia-telangiectasia, complementation group E. Identifiers: Orphanet 100, MedGen C0004135, MONDO:0008840, OMIM 208900.

Allele frequency attached by ClinVar (database versions not stated): TOPMed below 0.00001.

Submissions (2):

Ambry Genetics
Classification: Uncertain significance for Hereditary cancer-predisposing syndrome. Last evaluated: 2023-12-24. Review status: criteria provided, single submitter. Criteria: Ambry Variant Classification Scheme 2023. Collection method: clinical testing. Allele origin: germline.
Comment: The p.N2603D variant (also known as c.7807A>G), located in coding exon 52 of the ATM gene, results from an A to G substitution at nucleotide position 7807. The asparagine at codon 2603 is replaced by aspartic acid, an amino acid with highly similar properties. This amino acid position is not well conserved in available vertebrate species. In addition, this alteration is predicted to be tolerated by in silico analysis. Since supporting evidence is limited at this time, the clinical significance of this alteration remains unclear.

Labcorp Genetics (formerly Invitae), Labcorp
Classification: Uncertain significance for Ataxia-telangiectasia syndrome. Last evaluated: 2023-01-26. Review status: criteria provided, single submitter. Criteria: Invitae Variant Classification Sherloc (09022015). Collection method: clinical testing. Allele origin: germline.
Comment: This sequence change replaces asparagine, which is neutral and polar, with aspartic acid, which is acidic and polar, at codon 2603 of the ATM protein (p.Asn2603Asp). This variant is not present in population databases (gnomAD no frequency). This variant has not been reported in the literature in individuals affected with ATM-related conditions. ClinVar contains an entry for this variant (Variation ID: 827268). Algorithms developed to predict the effect of missense changes on protein structure and function (SIFT, PolyPhen-2, Align-GVGD) all suggest that this variant is likely to be tolerated. In summary, the available evidence is currently insufficient to determine the role of this variant in disease. Therefore, it has been classified as a Variant of Uncertain Significance.

NM_000051.4(ATM):c.7807A>G (p.Asn2603Asp)

Genes: ATM (ATM serine/threonine kinase; plus strand), C11orf65 (chromosome 11 open reading frame 65; minus strand). Cytogenetic location: 11q22.3.
Variant type: single nucleotide variant.
Coding change: c.7807A>G on transcript NM_000051.4 (MANE Select); coding-DNA position 7807, A replaced by G.
Protein change: p.Asn2603Asp; replaces asparagine 2603 with aspartic acid.
Molecular consequence: missense variant. On other transcripts: intron variant (2).
Genome position (GRCh38, 1-based): chr11:108,332,780, A>G. VCF-style: chr11-108332780-A-G. GRCh37 (hg19) VCF-style: chr11-108203507-A-G.
Other names: c.7807A>G, p.Asn2603Asp (NM_001351834.2); c.641-23709T>C (NM_001330368.2); c.*38+2440T>C (NM_001351110.2); short protein forms N2603D.
Identifiers: ClinVar variation 827268 (VCV000827268.9), dbSNP rs1591178124, ClinGen allele CA382561274.